The following is an entry in ClinVar:

ClinVar aggregate classification (germline): Uncertain significance (1 of 4 stars; one submission).

Submission:

GeneDx
Classification: Uncertain significance. Last evaluated: 2023-04-03. Review status: criteria provided, single submitter. Criteria: GeneDx Variant Classification Process June 2021. Collection method: clinical testing. Allele origin: germline. Affected: yes.
Comment: Not observed in large population cohorts (gnomAD); In silico analysis, which includes protein predictors and evolutionary conservation, supports that this variant does not alter protein structure/function; In silico analysis is inconclusive as to whether the variant alters gene splicing. In the absence of RNA/functional studies, the actual effect of this sequence change is unknown.; Has not been previously published as pathogenic or benign to our knowledge

NM_001368397.1(FRMPD4):c.1288C>A (p.Gln430Lys)

Gene: FRMPD4 (FERM and PDZ domain containing 4; plus strand). Cytogenetic location: Xp22.2.
Variant type: single nucleotide variant.
Coding change: c.1288C>A on transcript NM_001368397.1 (MANE Select); coding-DNA position 1288, C replaced by A.
Protein change: p.Gln430Lys; replaces glutamine 430 with lysine.
Molecular consequence: missense variant.
Genome position (GRCh38, 1-based): chrX:12,707,469, C>A. VCF-style: chrX-12707469-C-A. GRCh37 (hg19) VCF-style: chrX-12725588-C-A.
Other names: c.1399C>A, p.Gln467Lys (NM_001368395.3, NM_001368398.3); c.1294C>A, p.Gln432Lys (NM_001368396.3); c.1279C>A, p.Gln427Lys (NM_001368399.3); c.1168C>A, p.Gln390Lys (NM_001368400.3); c.1264C>A, p.Gln422Lys (NM_001368401.1, NM_001368402.3); c.1288C>A, p.Gln430Lys (NM_014728.3); short protein forms Q390K, Q422K, Q427K, Q430K, Q432K, Q467K.
Identifiers: ClinVar variation 1307262 (VCV001307262.3), dbSNP rs1602353928, ClinGen allele CA412009135.